The following is an entry in ClinVar:

NM_000257.4(MYH7):c.905T>A (p.Leu302Gln)

Gene: MYH7 (myosin heavy chain 7; minus strand). Cytogenetic location: 14q11.2.
Variant type: single nucleotide variant.
Coding change: c.905T>A on transcript NM_000257.4 (MANE Select); coding-DNA position 905, T replaced by A.
Protein change: p.Leu302Gln; replaces leucine 302 with glutamine.
Molecular consequence: missense variant.
Genome position (GRCh38, 1-based): chr14:23,430,654, A>T on the plus strand (T>A on the coding strand, the complement: MYH7 is on the minus strand). VCF-style: chr14-23430654-A-T. GRCh37 (hg19) VCF-style: chr14-23899863-A-T.
Other names: short protein forms L302Q.
Identifiers: ClinVar variation 1210917 (VCV001210917.3), dbSNP rs2138679418, ClinGen allele CA389051783.
Genomic context (GRCh38, chr14:23,430,654, plus strand): 5'-GAGGCCACGGTGGTCTCTCCTTGGGAGATGAATGCATAATCGTAGGGGTTGTTGGTGATC[A>T]GCAGCATGTCTAGGGGAAAAAACATGGTTAGGGTGGGACACAAGCCCCCGGCTCTCATGG-3'
Protein context (NP_000248.2, residues 292-312): NKKPELLDML[Leu302Gln]ITNNPYDYAF

ClinVar aggregate classification (germline): Likely pathogenic (1 of 4 stars; one submission).

Submission:

GeneDx
Classification: Likely pathogenic. Last evaluated: 2020-12-07. Review status: criteria provided, single submitter. Criteria: GeneDx Variant Classification Process June 2021. Collection method: clinical testing. Allele origin: germline. Affected: yes.
Comment: Has not been previously published as pathogenic or benign to our knowledge; Not observed in large population cohorts (Lek et al., 2016); In silico analysis supports that this missense variant has a deleterious effect on protein structure/function